The following is an entry in ClinVar:

ClinVar aggregate classification (germline): Pathogenic (1 of 4 stars; one submission).

Conditions:
Familial cancer of breast. Also called: Hereditary breast cancer; hereditary breast carcinoma; BREAST CANCER, FAMILIAL. Identifiers: Orphanet 227535, MedGen C0346153, MONDO:0016419, OMIM 114480. Disease mechanism: loss of function.

Submission:

Labcorp Genetics (formerly Invitae), Labcorp
Classification: Pathogenic for Familial cancer of breast. Last evaluated: 2020-06-09. Review status: criteria provided, single submitter. Criteria: Invitae Variant Classification Sherloc (09022015). Collection method: clinical testing. Allele origin: germline.
Comment: Retrotransposon insertions including LINE1 (L1), Alu, and SVA (SINE-VNTR-Alu) have been reported to be disease-causing through disruption of either a coding region or splice site (PMID: 19763152, 20307669, 22406018) and loss-of-function variants in CHEK2 are known to be pathogenic (PMID: 21876083, 24713400). This sequence change inserts a large fragment of DNA, likely a transposable element, in exon 5 of the CHEK2 gene (c.663_664insSVA), causing a frameshift at codon 222 (p.Met222fs). The exact size and sequence of the insertion cannot be determined by the current assay. However, the insertion is expected to result in an absent or disrupted protein product. This variant has not been reported in the literature in individuals with CHEK2-related conditions. For these reasons, this variant has been classified as Pathogenic.

Literature cited by the submitters: PubMed 19763152; PubMed 20307669; PubMed 22406018; PubMed 21876083; PubMed 24713400.

NM_007194.4(CHEK2):c.663_664insGGAGCAGGAAGTGGCGGTGCGAGGGCTGCTACACAGCGAGCGGAGCCGCGGTCCGGACGGCAGCGCGTGCCCCGAGCTCTCCGCNNNNNNNNNNAAAAAAAAAAAAAAAAAAAAGAGATGAATACATC (p.Met222fs)

Gene: CHEK2 (checkpoint kinase 2; minus strand). Cytogenetic location: 22q12.1.
Variant type: Insertion.
Coding change: c.663_664insGGAGCAGGAAGTGGCGGTGCGAGGGCTGCTACACAGCGAGCGGAGCCGCGGTCCGGACGGCAGCGCGTGCCCCGAGCTCTCCGCNNNNNNNNNNAAAAAAAAAAAAAAAAAAAAGAGATGAATACATC on transcript NM_007194.4 (MANE Select); coding-DNA positions 663 to 664, GGAGCAGGAAGTGGCGGTGCGAGGGCTGCTACACAGCGAGCGGAGCCGCGGTCCGGACGGCAGCGCGTGCCCCGAGCTCTCCGCNNNNNNNNNNAAAAAAAAAAAAAAAAAAAAGAGATGAATACATC inserted.
Protein change: p.Met222fs; shifts the reading frame from methionine 222.
Molecular consequence: frameshift variant. On other transcripts: intron variant (1).
Genome position: GRCh38: chr22:28,719,430-28,719,431. GRCh37 (hg19): chr22:29,115,418-29,115,419.
Other names: c.792_793insGGAGCAGGAAGTGGCGGTGCGAGGGCTGCTACACAGCGAGCGGAGCCGCGGTCCGGACGGCAGCGCGTGCCCCGAGCTCTCCGCNNNNNNNNNNAAAAAAAAAAAAAAAAAAAAGAGATGAATACATC, p.Met265fs (NM_001005735.3, NM_001438294.1); c.-1_1insGGAGCAGGAAGTGGCGGTGCGAGGGCTGCTACACAGCGAGCGGAGCCGCGGTCCGGACGGCAGCGCGTGCCCCGAGCTCTCCGCNNNNNNNNNNAAAAAAAAAAAAAAAAAAAAGAGATGAATACATC, p.Met1fs (NM_001257387.3, NM_001437942.1); c.756_757insGGAGCAGGAAGTGGCGGTGCGAGGGCTGCTACACAGCGAGCGGAGCCGCGGTCCGGACGGCAGCGCGTGCCCCGAGCTCTCCGCNNNNNNNNNNAAAAAAAAAAAAAAAAAAAAGAGATGAATACATC, p.Met253fs (NM_001438293.1, NM_001438295.1); c.663_664insGGAGCAGGAAGTGGCGGTGCGAGGGCTGCTACACAGCGAGCGGAGCCGCGGTCCGGACGGCAGCGCGTGCCCCGAGCTCTCCGCNNNNNNNNNNAAAAAAAAAAAAAAAAAAAAGAGATGAATACATC, p.Met222fs (NM_145862.3); c.482+5471_482+5472insAAGAGATGAATACATCGGAGCAGGAAGTGGCGGTGCGAGGGCTGCTACACAGCGAGCGGAGCCGCGGTCCGGACGGCAGCGCGTGCCCCGAGCTCTCCGCNNNNNNNNNNAAAAAAAAAAAAAAAAAA (NM_001349956.3); short protein forms M1fs, M222fs, M265fs, M253fs.
Identifiers: ClinVar variation 1071123 (VCV001071123.8), dbSNP rs2146005334.